The following is an entry in ClinVar:

ClinVar aggregate classification (germline): Pathogenic (1 of 4 stars; one submission).

Conditions:
Ataxia-telangiectasia syndrome (AT). Also called: Ataxia-telangiectasia, complementation group E; LOUIS-BAR SYNDROME; Ataxia-telangiectasia, complementation group D; AT, COMPLEMENTATION GROUP C; Ataxia-telangiectasia; Cerebello-oculocutaneous telangiectasia. Identifiers: Orphanet 100, MedGen C0004135, MONDO:0008840, OMIM 208900.

Submission:

Labcorp Genetics (formerly Invitae), Labcorp
Classification: Pathogenic for Ataxia-telangiectasia syndrome. Last evaluated: 2021-12-15. Review status: criteria provided, single submitter. Criteria: Invitae Variant Classification Sherloc (09022015). Collection method: clinical testing. Allele origin: germline.
Comment: For these reasons, this variant has been classified as Pathogenic. The region of the ATM gene that includes exon(s) 62-63 has been determined to be clinically significant (PMID: 9443866, 9792409, 25614872). Therefore, deletions that encompass that region are likely to be disease-causing. This variant has not been reported in the literature in individuals affected with ATM-related conditions. This variant is a gross deletion of the genomic region encompassing exon(s) 50-63 of the ATM gene, which includes the termination codon. This deletion extends beyond the assayed region for this gene and therefore may encompass additional genes. While this deletion is not anticipated to lead to nonsense mediated decay, it is expected to alter mRNA translation or result in a truncated protein product.

Literature cited by the submitters: PubMed 9443866; PubMed 9792409; PubMed 25614872.

NC_000011.9:g.(?_108200931)_(108236235_?)del

Gene: ATM (ATM serine/threonine kinase; plus strand). Cytogenetic location: 11q22.3.
Variant type: Deletion.
Identifiers: ClinVar variation 1455246 (VCV001455246.4).